The following is an entry in ClinVar:

ClinVar aggregate classification (germline): Uncertain significance. Review status: criteria provided, multiple submitters, no conflicts (2 of 4 stars). 2 submissions from 2 submitters: Uncertain significance (2). Last evaluated 2025-07-15.

Conditions:
Inborn genetic diseases. Identifiers: MedGen C0950123, MeSH D030342.
Muscular dystrophy-dystroglycanopathy (congenital with brain and eye anomalies), type a, 8 (MDDGA8). Also called: WALKER-WARBURG SYNDROME OR MUSCLE-EYE-BRAIN DISEASE, GTDC2-RELATED. Identifiers: Orphanet 899, MedGen C3553813, MONDO:0013904, OMIM 614830.

Allele frequency attached by ClinVar (database versions not stated): TOPMed 0.00002.

Submissions (2):

Ambry Genetics
Classification: Uncertain significance for Inborn genetic diseases. Last evaluated: 2025-07-15. Review status: criteria provided, single submitter. Criteria: Ambry Variant Classification Scheme 2023. Collection method: clinical testing. Allele origin: germline.

Labcorp Genetics (formerly Invitae), Labcorp
Classification: Uncertain significance for Muscular dystrophy-dystroglycanopathy (congenital with brain and eye anomalies), type a, 8. Last evaluated: 2022-08-09. Review status: criteria provided, single submitter. Criteria: Invitae Variant Classification Sherloc (09022015). Collection method: clinical testing. Allele origin: germline.
Comment: This sequence change replaces leucine, which is neutral and non-polar, with phenylalanine, which is neutral and non-polar, at codon 209 of the POMGNT2 protein (p.Leu209Phe). This variant is present in population databases (rs140274895, gnomAD 0.002%). This variant has not been reported in the literature in individuals affected with POMGNT2-related conditions. ClinVar contains an entry for this variant (Variation ID: 653413). Algorithms developed to predict the effect of missense changes on protein structure and function are either unavailable or do not agree on the potential impact of this missense change (SIFT: "Deleterious"; PolyPhen-2: "Possibly Damaging"; Align-GVGD: "Class C0"). In summary, the available evidence is currently insufficient to determine the role of this variant in disease. Therefore, it has been classified as a Variant of Uncertain Significance.

NM_032806.6(POMGNT2):c.625C>T (p.Leu209Phe)

Gene: POMGNT2 (protein O-linked mannose N-acetylglucosaminyltransferase 2 (beta 1,4-); minus strand). Cytogenetic location: 3p22.1.
Variant type: single nucleotide variant.
Coding change: c.625C>T on transcript NM_032806.6 (MANE Select); coding-DNA position 625, C replaced by T.
Protein change: p.Leu209Phe; replaces leucine 209 with phenylalanine.
Molecular consequence: missense variant.
Genome position (GRCh38, 1-based): chr3:43,080,807, G>A on the plus strand (C>T on the coding strand, the complement: POMGNT2 is on the minus strand). VCF-style: chr3-43080807-G-A. GRCh37 (hg19) VCF-style: chr3-43122299-G-A.
Other names: c.625C>T (NM_032806.4); short protein forms L209F.
Identifiers: ClinVar variation 653413 (VCV000653413.4), dbSNP rs140274895, ClinGen allele CA2340024.